The following is an entry in ClinVar:

ClinVar aggregate classification (germline): Uncertain significance (1 of 4 stars; one submission).

Submission:

Ambry Genetics
Classification: Uncertain significance. Last evaluated: 2023-11-15. Review status: criteria provided, single submitter. Criteria: Ambry Variant Classification Scheme 2023. Collection method: clinical testing. Allele origin: germline.
Comment: The p.P62T variant (also known as c.184C>A), located in coding exon 2 of the POLQ gene, results from a C to A substitution at nucleotide position 184. The proline at codon 62 is replaced by threonine, an amino acid with highly similar properties. This amino acid position is conserved. In addition, this alteration is predicted to be tolerated by in silico analysis. Since supporting evidence is limited at this time, the clinical significance of this alteration remains unclear.

NM_199420.4(POLQ):c.184C>A (p.Pro62Thr)

Gene: POLQ (DNA polymerase theta; minus strand). Cytogenetic location: 3q13.33.
Variant type: single nucleotide variant.
Coding change: c.184C>A on transcript NM_199420.4 (MANE Select); coding-DNA position 184, C replaced by A.
Protein change: p.Pro62Thr; replaces proline 62 with threonine.
Molecular consequence: missense variant.
Genome position (GRCh38, 1-based): chr3:121,544,886, G>T on the plus strand (C>A on the coding strand, the complement: POLQ is on the minus strand). VCF-style: chr3-121544886-G-T. GRCh37 (hg19) VCF-style: chr3-121263733-G-T.
Other names: short protein forms P62T.
Identifiers: ClinVar variation 3229860 (VCV003229860.1), dbSNP rs2546828010, ClinGen allele CA354095015.